The following is an entry in ClinVar:

ClinVar aggregate classification (germline): Uncertain significance. Review status: criteria provided, multiple submitters, no conflicts (2 of 4 stars). 3 submissions from 3 submitters: Uncertain significance (3). Last evaluated 2025-03-18.

Conditions:
Hereditary cancer-predisposing syndrome. Also called: Tumor predisposition; Hereditary neoplastic syndrome; Neoplastic Syndromes, Hereditary; Hereditary Cancer Syndrome. Identifiers: Orphanet 140162, MedGen C0027672, MeSH D009386, MONDO:0015356.

Allele frequency attached by ClinVar (database versions not stated): gnomAD exomes below 0.00001; ExAC 0.00001.
gnomAD v4.1: 3 of 1,613,722 alleles (0.00019%); highest among the groups gnomAD compares: South Asian, 0.0022%; no homozygotes.

Submissions (3):

Quest Diagnostics Nichols Institute San Juan Capistrano
Classification: Uncertain significance. Last evaluated: 2025-03-18. Review status: criteria provided, single submitter. Criteria: Quest Diagnostics criteria. Collection method: clinical testing. Allele origin: unknown.
Comment: The MSH3 c.818A>G (p.Tyr273Cys) variant has not been reported in individuals with MSH3-related conditions in the published literature. The frequency of this variant in the general population (Genome Aggregation Database) is uninformative in the assessment of its pathogenicity. Analysis of this variant using bioinformatics tools for the prediction of the effect of amino acid changes on protein structure and function yielded conflicting predictions that this variant is benign or damaging. Based on the available information, we are unable to determine the clinical significance of this variant.

Labcorp Genetics (formerly Invitae), Labcorp
Classification: Uncertain significance. Last evaluated: 2024-12-04. Review status: criteria provided, single submitter. Criteria: Invitae Variant Classification Sherloc (09022015). Collection method: clinical testing. Allele origin: germline.
Comment: This sequence change replaces tyrosine, which is neutral and polar, with cysteine, which is neutral and slightly polar, at codon 273 of the MSH3 protein (p.Tyr273Cys). This variant is present in population databases (rs758586643, gnomAD 0.003%). This variant has not been reported in the literature in individuals affected with MSH3-related conditions. ClinVar contains an entry for this variant (Variation ID: 1007095). An algorithm developed to predict the effect of missense changes on protein structure and function (PolyPhen-2) suggests that this variant is likely to be tolerated. In summary, the available evidence is currently insufficient to determine the role of this variant in disease. Therefore, it has been classified as a Variant of Uncertain Significance.

Ambry Genetics
Classification: Uncertain significance for Hereditary cancer-predisposing syndrome. Last evaluated: 2024-05-24. Review status: criteria provided, single submitter. Criteria: Ambry Variant Classification Scheme 2023. Collection method: clinical testing. Allele origin: germline.
Comment: The p.Y273C variant (also known as c.818A>G), located in coding exon 5 of the MSH3 gene, results from an A to G substitution at nucleotide position 818. The tyrosine at codon 273 is replaced by cysteine, an amino acid with highly dissimilar properties. This amino acid position is well conserved in available vertebrate species. In addition, the in silico prediction for this alteration is inconclusive. Based on the available evidence, the clinical significance of this variant remains unclear.

NM_002439.5(MSH3):c.818A>G (p.Tyr273Cys)

Gene: MSH3 (mutS homolog 3; plus strand). Cytogenetic location: 5q14.1.
Variant type: single nucleotide variant.
Coding change: c.818A>G on transcript NM_002439.5 (MANE Select); coding-DNA position 818, A replaced by G.
Protein change: p.Tyr273Cys; replaces tyrosine 273 with cysteine.
Molecular consequence: missense variant.
Genome position (GRCh38, 1-based): chr5:80,672,269, A>G. VCF-style: chr5-80672269-A-G. GRCh37 (hg19) VCF-style: chr5-79968088-A-G.
Other names: c.818A>G (NM_002439.4); short protein forms Y273C.
Identifiers: ClinVar variation 1007095 (VCV001007095.13), dbSNP rs758586643, ClinGen allele CA3327724.